The following is an entry in ClinVar:

Conditions:
Arteriohepatic dysplasia. Also called: Alagille Syndrome. Identifiers: Orphanet 52, MedGen C0085280, MeSH D016738, MONDO:0007318.

Submission:

Gilbert/Spinner Lab, Children's Hospital of Philadelphia
No classification provided (evidence only). Condition: Alagille syndrome. Review status: no classification provided. Collection method: research. Allele origin: not applicable. Functional consequence: functionally_abnormal.
ClinVar note: "not provided" was previously submitted as the classification for the variant. However, the classification appeared to be based only on an observation of functional data so it was converted to no classification on 2025-07-30.

NM_000214.3(JAG1):c.759C>G (p.Cys253Trp)

Gene: JAG1 (jagged canonical Notch ligand 1; minus strand). Cytogenetic location: 20p12.2.
Variant type: single nucleotide variant.
Coding change: c.759C>G on transcript NM_000214.3 (MANE Select); coding-DNA position 759, C replaced by G.
Protein change: p.Cys253Trp; replaces cysteine 253 with tryptophan.
Molecular consequence: missense variant.
Genome position (GRCh38, 1-based): chr20:10,652,595, G>C on the plus strand (C>G on the coding strand, the complement: JAG1 is on the minus strand). VCF-style: chr20-10652595-G-C. GRCh37 (hg19) VCF-style: chr20-10633243-G-C.
Other names: short protein forms C253W.
Identifiers: ClinVar variation 3573362 (VCV003573362.2).